The following is an entry in ClinVar:

NM_013447.4(ADGRE2):c.2111_2112insTTTTTTTTTTTTTTTTTTTTNNNNNNNNNNCCTCGTGATCCGCCCGCCTCGGCCTCCCAAAGTGCTGGGATTACAGGCGTGAGCCACCGCGCCCGGCCAATTTAGTTCTCTTTCT (p.Leu704_Val705insPhePhePhePhePhePheXaaXaaXaaXaaLeuValIleArgProProArgProProLysValLeuGlyLeuGlnAlaTer)

Gene: ADGRE2 (adhesion G protein-coupled receptor E2; minus strand). Cytogenetic location: 19p13.12.
Variant type: Insertion.
Coding change: c.2111_2112insTTTTTTTTTTTTTTTTTTTTNNNNNNNNNNCCTCGTGATCCGCCCGCCTCGGCCTCCCAAAGTGCTGGGATTACAGGCGTGAGCCACCGCGCCCGGCCAATTTAGTTCTCTTTCT on transcript NM_013447.4 (MANE Select); coding-DNA positions 2111 to 2112, TTTTTTTTTTTTTTTTTTTTNNNNNNNNNNCCTCGTGATCCGCCCGCCTCGGCCTCCCAAAGTGCTGGGATTACAGGCGTGAGCCACCGCGCCCGGCCAATTTAGTTCTCTTTCT inserted.
Protein change: p.Leu704_Val705insPhePhePhePhePhePheXaaXaaXaaXaaLeuValIleArgProProArgProProLysValLeuGlyLeuGlnAlaTer.
Molecular consequence: nonsense, inframe insertion. On other transcripts: frameshift variant (2).
Genome position: GRCh38: chr19:14,746,320-14,746,321. GRCh37 (hg19): chr19:14,857,132-14,857,133.
Other names: c.1937_1938insTTTTTTTTTTTTTTTTTTTTNNNNNNNNNNCCTCGTGATCCGCCCGCCTCGGCCTCCCAAAGTGCTGGGATTACAGGCGTGAGCCACCGCGCCCGGCCAATTTAGTTCTCTTTCT, p.Leu646_Val647insPhePhePhePhePhePheXaaXaaXaaXaaLeuValIleArgProProArgProProLysValLeuGlyLeuGlnAlaTer (NM_001271052.1); c.1947_1948insAATTTAGTTCTCTTTCTTTTTTTTTTTTTTTTTTTTTNNNNNNNNNNCCTCGTGATCCGCCCGCCTCGGCCTCCCAAAGTGCTGGGATTACAGGCGTGAGCCACCGCGCCCGGCC, p.Val656Phefs (NM_152916.2); c.1815_1816insAATTTAGTTCTCTTTCTTTTTTTTTTTTTTTTTTTTTNNNNNNNNNNCCTCGTGATCCGCCCGCCTCGGCCTCCCAAAGTGCTGGGATTACAGGCGTGAGCCACCGCGCCCGGCC, p.Val612Phefs (NM_152917.2).
Identifiers: ClinVar variation 2093946 (VCV002093946.4), dbSNP rs2512975011.

ClinVar aggregate classification (germline): Uncertain significance (1 of 4 stars; one submission).

Submission:

Labcorp Genetics (formerly Invitae), Labcorp
Classification: Uncertain significance. Last evaluated: 2026-01-13. Review status: criteria provided, single submitter. Criteria: Invitae Variant Classification Sherloc (09022015). Collection method: clinical testing. Allele origin: germline.
Comment: This sequence change inserts a large fragment of DNA, likely a transposable element, in exon 18 of the ADGRE2 gene (c.2111_2112ins?), causing a frameshift at codon 704 (p.Leu704fs). The exact size and sequence of the insertion cannot be determined by the current assay. However, the insertion is expected to result in an absent or disrupted protein product. This variant is not present in population databases (gnomAD no frequency). This variant has not been reported in the literature in individuals affected with ADGRE2-related conditions. ClinVar contains an entry for this variant (Variation ID: 2093946). Retrotransposon insertions including LINE1 (L1), Alu, and SVA (SINE-VNTR-Alu) have been reported to disrupt protein function (PMID: 19763152, 20307669, 22406018). However the effect of this particular variant is unknown. In summary, the available evidence is currently insufficient to determine the role of this variant in disease. Therefore, it has been classified as a Variant of Uncertain Significance.

Literature cited by the submitters: PubMed 19763152; PubMed 20307669; PubMed 22406018.